The following is an entry in ClinVar:

ClinVar aggregate classification (germline): Uncertain significance (1 of 4 stars; one submission).

Conditions:
Adams-Oliver syndrome 5 (AOS5). Identifiers: Orphanet 974, MedGen C4014970, MONDO:0014459, OMIM 616028.

Allele frequency attached by ClinVar (database versions not stated): TOPMed below 0.00001; gnomAD exomes 0.00001.
gnomAD v4.1: 13 of 1,612,002 alleles (0.00081%); highest among the groups gnomAD compares: Non-Finnish European, 0.0011%; no homozygotes.

Submission:

Labcorp Genetics (formerly Invitae), Labcorp
Classification: Uncertain significance for Adams-Oliver syndrome 5. Last evaluated: 2023-11-17. Review status: criteria provided, single submitter. Criteria: Invitae Variant Classification Sherloc (09022015). Collection method: clinical testing. Allele origin: germline.
Comment: This sequence change replaces arginine, which is basic and polar, with histidine, which is basic and polar, at codon 2104 of the NOTCH1 protein (p.Arg2104His). This variant is not present in population databases (gnomAD no frequency). This variant has not been reported in the literature in individuals affected with NOTCH1-related conditions. ClinVar contains an entry for this variant (Variation ID: 1022512). Advanced modeling of protein sequence and biophysical properties (such as structural, functional, and spatial information, amino acid conservation, physicochemical variation, residue mobility, and thermodynamic stability) has been performed at Invitae for this missense variant, however the output from this modeling did not meet the statistical confidence thresholds required to predict the impact of this variant on NOTCH1 protein function. In summary, the available evidence is currently insufficient to determine the role of this variant in disease. Therefore, it has been classified as a Variant of Uncertain Significance.

NM_017617.5(NOTCH1):c.6311G>A (p.Arg2104His)

Gene: NOTCH1 (notch receptor 1; minus strand). Cytogenetic location: 9q34.3.
Variant type: single nucleotide variant.
Coding change: c.6311G>A on transcript NM_017617.5 (MANE Select); coding-DNA position 6311, G replaced by A.
Protein change: p.Arg2104His; replaces arginine 2104 with histidine.
Molecular consequence: missense variant.
Genome position (GRCh38, 1-based): chr9:136,497,428, C>T on the plus strand (G>A on the coding strand, the complement: NOTCH1 is on the minus strand). VCF-style: chr9-136497428-C-T. GRCh37 (hg19) VCF-style: chr9-139391880-C-T.
Other names: short protein forms R2104H.
Identifiers: ClinVar variation 1022512 (VCV001022512.9), dbSNP rs1842934984, ClinGen allele CA375632011.